The following is an entry in ClinVar:

NM_000234.3(LIG1):c.157G>A (p.Val53Met)

Gene: LIG1 (DNA ligase 1; minus strand). Cytogenetic location: 19q13.33.
Variant type: single nucleotide variant.
Coding change: c.157G>A on transcript NM_000234.3 (MANE Select); coding-DNA position 157, G replaced by A.
Protein change: p.Val53Met; replaces valine 53 with methionine.
Molecular consequence: missense variant. On other transcripts: non-coding transcript variant (6).
Genome position (GRCh38, 1-based): chr19:48,161,458, C>T on the plus strand (G>A on the coding strand, the complement: LIG1 is on the minus strand). VCF-style: chr19-48161458-C-T. GRCh37 (hg19) VCF-style: chr19-48664715-C-T.
Other names: c.67G>A, p.Val23Met (NM_001289063.2, NM_001320971.2); c.157G>A, p.Val53Met (NM_001289064.2, NM_001320970.2); c.157G>A (NM_000234.1); short protein forms V23M, V53M.
Identifiers: ClinVar variation 1014783 (VCV001014783.7), dbSNP rs930594840, ClinGen allele CA309285281.

ClinVar aggregate classification (germline): Uncertain significance. Review status: criteria provided, multiple submitters, no conflicts (2 of 4 stars). 2 submissions from 2 submitters: Uncertain significance (2). Last evaluated 2025-08-11.

Allele frequency attached by ClinVar (database versions not stated): gnomAD exomes 0.00002; TOPMed 0.00002; gnomAD 0.00004 and 0.00005.
gnomAD v4.1: 32 of 1,614,064 alleles (0.002%); highest among the groups gnomAD compares: East Asian, 0.02%; no homozygotes.

Submissions (2):

Ambry Genetics
Classification: Uncertain significance. Last evaluated: 2025-08-11. Review status: criteria provided, single submitter. Criteria: Ambry Variant Classification Scheme 2023. Collection method: clinical testing. Allele origin: germline.

Labcorp Genetics (formerly Invitae), Labcorp
Classification: Uncertain significance. Last evaluated: 2022-08-22. Review status: criteria provided, single submitter. Criteria: Invitae Variant Classification Sherloc (09022015). Collection method: clinical testing. Allele origin: germline.
Comment: This sequence change replaces valine, which is neutral and non-polar, with methionine, which is neutral and non-polar, at codon 53 of the LIG1 protein (p.Val53Met). This variant is present in population databases (no rsID available, gnomAD 0.008%). This variant has not been reported in the literature in individuals affected with LIG1-related conditions. ClinVar contains an entry for this variant (Variation ID: 1014783). Algorithms developed to predict the effect of missense changes on protein structure and function are either unavailable or do not agree on the potential impact of this missense change (SIFT: "Deleterious"; PolyPhen-2: "Possibly Damaging"; Align-GVGD: "Class C0"). In summary, the available evidence is currently insufficient to determine the role of this variant in disease. Therefore, it has been classified as a Variant of Uncertain Significance.